The following is an entry in ClinVar:

NM_003079.5(SMARCE1):c.748G>C (p.Glu250Gln)

Gene: SMARCE1 (SWI/SNF related BAF chromatin remodeling complex subunit E1; minus strand). Cytogenetic location: 17q21.2.
Variant type: single nucleotide variant.
Coding change: c.748G>C on transcript NM_003079.5 (MANE Select); coding-DNA position 748, G replaced by C.
Protein change: p.Glu250Gln; replaces glutamic acid 250 with glutamine.
Molecular consequence: missense variant.
Genome position (GRCh38, 1-based): chr17:40,631,660, C>G on the plus strand (G>C on the coding strand, the complement: SMARCE1 is on the minus strand). VCF-style: chr17-40631660-C-G. GRCh37 (hg19) VCF-style: chr17-38787912-C-G.
Other names: short protein forms E250Q.
Identifiers: ClinVar variation 3958593 (VCV003958593.1).

ClinVar aggregate classification (germline): Uncertain significance (1 of 4 stars; one submission).

Conditions:
Hereditary cancer-predisposing syndrome. Also called: Tumor predisposition; Hereditary neoplastic syndrome; Hereditary Cancer Syndrome; Neoplastic Syndromes, Hereditary. Identifiers: Orphanet 140162, MedGen C0027672, MeSH D009386, MONDO:0015356.

gnomAD v4.1: 1 of 1,611,036 alleles (0.000062%); highest among the groups gnomAD compares: African/African-American, 0.0013%; no homozygotes.

Submission:

Ambry Genetics
Classification: Uncertain significance for Hereditary cancer-predisposing syndrome. Last evaluated: 2025-04-06. Review status: criteria provided, single submitter. Criteria: Ambry Variant Classification Scheme 2023. Collection method: clinical testing. Allele origin: germline.
Comment: The p.E250Q variant (also known as c.748G>C), located in coding exon 8 of the SMARCE1 gene, results from a G to C substitution at nucleotide position 748. The glutamic acid at codon 250 is replaced by glutamine, an amino acid with highly similar properties. This amino acid position is conserved. In addition, this alteration is predicted to be tolerated by in silico analysis. Based on the available evidence, the clinical significance of this variant remains unclear.